The following is an entry in ClinVar:

ClinVar aggregate classification (germline): Uncertain significance. Review status: criteria provided, multiple submitters, no conflicts (2 of 4 stars). 2 submissions from 2 submitters: Uncertain significance (2). Last evaluated 2024-07-08.

Conditions:
Dilated cardiomyopathy 1J (CMD1J). Also called: CARDIOMYOPATHY, DILATED, WITH SENSORINEURAL HEARING LOSS, AUTOSOMAL DOMINANT. Identifiers: Orphanet 217622, MedGen C1854368, MONDO:0011541, OMIM 605362.
Cardiovascular phenotype. Identifiers: MedGen CN230736.

Submissions (2):

Labcorp Genetics (formerly Invitae), Labcorp
Classification: Uncertain significance for Dilated cardiomyopathy 1J. Last evaluated: 2024-07-08. Review status: criteria provided, single submitter. Criteria: Invitae Variant Classification Sherloc (09022015). Collection method: clinical testing. Allele origin: germline.
Comment: This sequence change replaces serine, which is neutral and polar, with phenylalanine, which is neutral and non-polar, at codon 439 of the EYA4 protein (p.Ser439Phe). This variant is not present in population databases (gnomAD no frequency). This variant has not been reported in the literature in individuals affected with EYA4-related conditions. ClinVar contains an entry for this variant (Variation ID: 2121030). Advanced modeling of protein sequence and biophysical properties (such as structural, functional, and spatial information, amino acid conservation, physicochemical variation, residue mobility, and thermodynamic stability) performed at Invitae indicates that this missense variant is expected to disrupt EYA4 protein function with a positive predictive value of 80%. In summary, the available evidence is currently insufficient to determine the role of this variant in disease. Therefore, it has been classified as a Variant of Uncertain Significance.

Ambry Genetics
Classification: Uncertain significance for Cardiovascular phenotype. Last evaluated: 2023-10-19. Review status: criteria provided, single submitter. Criteria: Ambry Variant Classification Scheme 2023. Collection method: clinical testing. Allele origin: germline.
Comment: The p.S439F variant (also known as c.1316C>T), located in coding exon 14 of the EYA4 gene, results from a C to T substitution at nucleotide position 1316. The serine at codon 439 is replaced by phenylalanine, an amino acid with highly dissimilar properties. This amino acid position is conserved. In addition, this alteration is predicted to be deleterious by in silico analysis. Since supporting evidence is limited at this time, the clinical significance of this alteration remains unclear.

NM_004100.5(EYA4):c.1316C>T (p.Ser439Phe)

Genes: EYA4 (EYA transcriptional coactivator and phosphatase 4; plus strand), TARID (TCF21 antisense RNA inducing promoter demethylation; minus strand). Cytogenetic location: 6q23.2.
Variant type: single nucleotide variant.
Coding change: c.1316C>T on transcript NM_004100.5 (MANE Select); coding-DNA position 1316, C replaced by T.
Protein change: p.Ser439Phe; replaces serine 439 with phenylalanine.
Molecular consequence: missense variant.
Genome position (GRCh38, 1-based): chr6:133,512,755, C>T. VCF-style: chr6-133512755-C-T. GRCh37 (hg19) VCF-style: chr6-133833893-C-T.
Other names: c.1154C>T, p.Ser385Phe (NM_001301012.2); c.1334C>T, p.Ser445Phe (NM_001301013.2); c.1247C>T, p.Ser416Phe (NM_001370458.1, NM_172103.4); c.1172C>T, p.Ser391Phe (NM_001370459.1); c.1316C>T, p.Ser439Phe (NM_172105.4); c.1316C>T (NM_004100.4); short protein forms S385F, S416F, S445F, S439F, S391F.
Identifiers: ClinVar variation 2121030 (VCV002121030.5), dbSNP rs2128781914, ClinGen allele CA365714699.
Genomic context (GRCh38, chr6:133,512,755, plus strand): 5'-AATAACTTTTCCAATGTTTTTAACAGGAGTGTGATCAAGTTCATATAGATGATGTTTCCT[C>T]TGATGATAATGGGCAGGACTTAAGGTAAGCTATGCCTTTCAGTATGCTGTTTCCTACAGA-3'
Protein context (NP_004091.3, residues 429-449): CDQVHIDDVS[Ser439Phe]DDNGQDLSTY